The following is an entry in ClinVar:

NM_001042492.3(NF1):c.7195A>G (p.Arg2399Gly)

Gene: NF1 (neurofibromin 1; plus strand). Cytogenetic location: 17q11.2.
Variant type: single nucleotide variant.
Coding change: c.7195A>G on transcript NM_001042492.3 (MANE Select); coding-DNA position 7195, A replaced by G.
Protein change: p.Arg2399Gly; replaces arginine 2399 with glycine.
Molecular consequence: missense variant.
Genome position (GRCh38, 1-based): chr17:31,349,125, A>G. VCF-style: chr17-31349125-A-G. GRCh37 (hg19) VCF-style: chr17-29676143-A-G.
Other names: c.7132A>G, p.Arg2378Gly (NM_000267.4); short protein forms R2399G, R2378G.
Identifiers: ClinVar variation 1757321 (VCV001757321.2), dbSNP rs1555536016, ClinGen allele CA399016660.

ClinVar aggregate classification (germline): Uncertain significance (1 of 4 stars; one submission).

Conditions:
Cardiovascular phenotype. Identifiers: MedGen CN230736.
Hereditary cancer-predisposing syndrome. Also called: Neoplastic Syndromes, Hereditary; Tumor predisposition; Hereditary Cancer Syndrome; Hereditary neoplastic syndrome. Identifiers: Orphanet 140162, MedGen C0027672, MeSH D009386, MONDO:0015356.

Submission:

Ambry Genetics
Classification: Uncertain significance for Cardiovascular phenotype; Hereditary cancer-predisposing syndrome. Last evaluated: 2022-04-03. Review status: criteria provided, single submitter. Criteria: Ambry Variant Classification Scheme 2023. Collection method: clinical testing. Allele origin: germline.
Comment: The p.R2378G variant (also known as c.7132A>G), located in coding exon 48 of the NF1 gene, results from an A to G substitution at nucleotide position 7132. The arginine at codon 2378 is replaced by glycine, an amino acid with dissimilar properties. This amino acid position is conserved. In addition, the in silico prediction for this alteration is inconclusive. Since supporting evidence is limited at this time, the clinical significance of this alteration remains unclear.